The following is an entry in ClinVar:

ClinVar aggregate classification (germline): Pathogenic (1 of 4 stars; one submission).

Conditions:
Nephronophthisis. Also called: Juvenile Nephronophthisis. Identifiers: Orphanet 655, MedGen C0687120, MONDO:0019005, HP:0000090.

Submission:

Labcorp Genetics (formerly Invitae), Labcorp
Classification: Pathogenic for Nephronophthisis. Last evaluated: 2023-09-06. Review status: criteria provided, single submitter. Criteria: Invitae Variant Classification Sherloc (09022015). Collection method: clinical testing. Allele origin: germline.
Comment: For these reasons, this variant has been classified as Pathogenic. This variant has not been reported in the literature in individuals affected with NPHP1-related conditions. This variant is not present in population databases (gnomAD no frequency). This sequence change creates a premature translational stop signal (p.Leu550Thrfs*55) in the NPHP1 gene. It is expected to result in an absent or disrupted protein product. Loss-of-function variants in NPHP1 are known to be pathogenic (PMID: 23559409).

Literature cited by the submitters: PubMed 23559409.

NM_001128178.3(NPHP1):c.1479dup (p.Leu494fs)

Gene: NPHP1 (nephrocystin 1; minus strand). Cytogenetic location: 2q13.
Variant type: Duplication.
Coding change: c.1479dup on transcript NM_001128178.3 (MANE Select); coding-DNA position 1479, one base duplicated (A; older notation c.1479dupA).
Protein change: p.Leu494fs; shifts the reading frame from leucine 494.
Molecular consequence: frameshift variant.
Genome position (GRCh38, 1-based): chr2:110,143,592, T duplicated on the plus strand (A on the coding strand, the reverse complement: NPHP1 is on the minus strand); the first of 2 consecutive T bases (chr2:110,143,592-110,143,593); duplicating either gives the same sequence. VCF-style (leftmost placement, unchanged base first): chr2-110143591-G-GT. GRCh37 (hg19) VCF-style: chr2-110901168-G-GT.
Other names: c.1647dup, p.Leu550fs (NM_000272.5); c.1290dup, p.Leu431fs (NM_001128179.3); c.1476dup, p.Leu493fs (NM_001374256.1); c.1479dup, p.Leu494fs (NM_001374257.1); c.1644dup, p.Leu549fs (NM_207181.4); short protein forms L431fs, L494fs, L493fs, L549fs, L550fs.
Identifiers: ClinVar variation 2810999 (VCV002810999.3), dbSNP rs2467231974, ClinGen allele CA2739271189.